The following is an entry in ClinVar:

NM_002661.5(PLCG2):c.1188C>G (p.Thr396=)

Gene: PLCG2 (phospholipase C gamma 2; plus strand). Cytogenetic location: 16q23.3.
Variant type: single nucleotide variant.
Coding change: c.1188C>G on transcript NM_002661.5 (MANE Select); coding-DNA position 1188, C replaced by G.
Protein change: p.Thr396=; no amino-acid change (threonine 396 retained).
Molecular consequence: synonymous variant.
Genome position (GRCh38, 1-based): chr16:81,895,922, C>G. VCF-style: chr16-81895922-C-G. GRCh37 (hg19) VCF-style: chr16-81929527-C-G.
Other names: p.Thr396=.
Identifiers: ClinVar variation 403321 (VCV000403321.21), dbSNP rs13333716, ClinGen allele CA8193630.

ClinVar aggregate classification (germline): Benign/Likely benign. Review status: criteria provided, multiple submitters, no conflicts (2 of 4 stars). 9 submissions from 9 submitters: Benign (6); Likely benign (1). 2 of the submissions do not count toward it. Last evaluated 2026-02-04.

Conditions:
Familial cold autoinflammatory syndrome 3 (FCAS3). Also called: ANTIBODY DEFICIENCY AND IMMUNE DYSREGULATION, PLCG2-ASSOCIATED; FAMILIAL ATYPICAL COLD URTICARIA. Identifiers: Orphanet 300359, MedGen C3280914, MONDO:0013766, OMIM 614468.

Allele frequency attached by ClinVar (database versions not stated): TOPMed 0.06608; gnomAD 0.06770 and 0.06533; gnomAD exomes 0.07017 and 0.05246; ESP Exome Variant Server 0.07269; 1000 Genomes Project 30x 0.04388; 1000 Genomes Project 0.04473; ExAC 0.05174.
gnomAD v4.1: 112,250 of 1,613,924 alleles (7%); highest among the groups gnomAD compares: African/African-American, 8.2%; 4,395 homozygotes.

Submissions (9):

Labcorp Genetics (formerly Invitae), Labcorp
Classification: Benign for Familial cold autoinflammatory syndrome 3. Last evaluated: 2026-02-04. Review status: criteria provided, single submitter. Criteria: Invitae Variant Classification Sherloc (09022015). Collection method: clinical testing. Allele origin: germline.

Women's Health and Genetics/Laboratory Corporation of America, LabCorp
Classification: Benign. Last evaluated: 2026-01-21. Review status: criteria provided, single submitter. Criteria: LabCorp Variant Classification Summary - May 2015. Collection method: clinical testing. Allele origin: germline.

Blueprint Genetics
Classification: Likely benign. Last evaluated: 2024-11-27. Review status: criteria provided, single submitter. Criteria: ACMG Guidelines, 2015. Collection method: clinical testing. Allele origin: germline.

Mayo Clinic Laboratories, Mayo Clinic
Classification: Benign. Last evaluated: 2022-03-09. Review status: criteria provided, single submitter. Criteria: ACMG Guidelines, 2015. Collection method: clinical testing. Allele origin: germline. Observed: 194 variant alleles.

GeneDx
Classification: Benign. Last evaluated: 2021-05-04. Review status: criteria provided, single submitter. Criteria: GeneDx Variant Classification Process June 2021. Collection method: clinical testing. Allele origin: germline. Affected: yes.

Laboratory for Molecular Medicine, Mass General Brigham Personalized Medicine
Classification: Benign. Last evaluated: 2016-03-28. Review status: criteria provided, single submitter. Criteria: LMM Criteria. Collection method: clinical testing. Allele origin: germline.
Comment: Variant identified in a genome or exome case(s) and assessed due to predicted null impact of the variant or pathogenic assertions in the literature or databases. Disclaimer: This variant has not undergone full assessment. The following are preliminary notes: Frequency

Breakthrough Genomics
Classification: Benign. Review status: criteria provided, single submitter. Criteria: ACMG Guidelines, 2015. Collection method: not provided. Allele origin: germline. Inheritance: Autosomal dominant inheritance. Affected: yes.

Genome Diagnostics Laboratory, University Medical Center Utrecht
Classification: Benign. Review status: no assertion criteria provided. Collection method: clinical testing. Allele origin: germline. Affected: yes. Study: VKGL Data-share Consensus. Not counted in ClinVar's aggregate classification.

Joint Genome Diagnostic Labs from Nijmegen and Maastricht, Radboudumc and MUMC+
Classification: Benign. Review status: no assertion criteria provided. Collection method: clinical testing. Allele origin: germline. Affected: yes. Study: VKGL Data-share Consensus. Not counted in ClinVar's aggregate classification.